The following is an entry in ClinVar:

NM_003091.4(SNRPB):c.156G>A (p.Lys52=)

Gene: SNRPB (small nuclear ribonucleoprotein polypeptides B and B1; minus strand). Cytogenetic location: 20p13.
Variant type: single nucleotide variant.
Coding change: c.156G>A on transcript NM_003091.4 (MANE Select); coding-DNA position 156, G replaced by A.
Protein change: p.Lys52=; no amino-acid change (lysine 52 retained).
Molecular consequence: synonymous variant.
Genome position (GRCh38, 1-based): chr20:2,465,819, C>T on the plus strand (G>A on the coding strand, the complement: SNRPB is on the minus strand). VCF-style: chr20-2465819-C-T. GRCh37 (hg19) VCF-style: chr20-2446465-C-T.
Other names: c.156G>A, p.Lys52= (NM_198216.2).
Identifiers: ClinVar variation 4736167 (VCV004736167.1).

ClinVar aggregate classification (germline): Uncertain significance (1 of 4 stars; one submission).

Submission:

Labcorp Genetics (formerly Invitae), Labcorp
Classification: Uncertain significance. Last evaluated: 2026-02-01. Review status: criteria provided, single submitter. Criteria: Invitae Variant Classification Sherloc (09022015). Collection method: clinical testing. Allele origin: germline.
Comment: This sequence change affects codon 52 of the SNRPB mRNA. It is a 'silent' change, meaning that it does not change the encoded amino acid sequence of the SNRPB protein. It affects a nucleotide within the consensus splice site. This variant is not present in population databases (gnomAD no frequency). This variant has not been reported in the literature in individuals affected with SNRPB-related conditions. Algorithms developed to predict the effect of sequence changes on RNA splicing suggest that this variant is not likely to affect RNA splicing. In summary, the available evidence is currently insufficient to determine the role of this variant in disease. Therefore, it has been classified as a Variant of Uncertain Significance.